The following is an entry in ClinVar:

NM_002691.4(POLD1):c.1731C>T (p.Gly577=)

Gene: POLD1 (DNA polymerase delta 1, catalytic subunit; plus strand). Cytogenetic location: 19q13.33.
Variant type: single nucleotide variant.
Coding change: c.1731C>T on transcript NM_002691.4 (MANE Select); coding-DNA position 1731, C replaced by T.
Protein change: p.Gly577=; no amino-acid change (glycine 577 retained).
Molecular consequence: synonymous variant. On other transcripts: non-coding transcript variant (1).
Genome position (GRCh38, 1-based): chr19:50,407,371, C>T. VCF-style: chr19-50407371-C-T. GRCh37 (hg19) VCF-style: chr19-50910628-C-T.
Other names: c.1731C>T, p.Gly577= (NM_001256849.1, NM_001308632.1).
Identifiers: ClinVar variation 414759 (VCV000414759.26), dbSNP rs376473853, ClinGen allele CA9596243.

ClinVar aggregate classification (germline): Benign/Likely benign. Review status: criteria provided, multiple submitters, no conflicts (2 of 4 stars). 5 submissions from 5 submitters: Benign (1); Likely benign (4). Last evaluated 2026-01-16.

Conditions:
Hereditary cancer-predisposing syndrome. Also called: Neoplastic Syndromes, Hereditary; Hereditary neoplastic syndrome; Hereditary Cancer Syndrome; Tumor predisposition. Identifiers: Orphanet 140162, MedGen C0027672, MeSH D009386, MONDO:0015356.
POLD1-related polyposis and colorectal cancer syndrome (CRCS10). Also called: Colorectal cancer, susceptibility to, 10; Colorectal cancer 10; COLORECTAL CANCER, SUSCEPTIBILITY TO, ON CHROMOSOME 19q. Identifiers: Orphanet 220460, MedGen C2675481, MONDO:0012953, OMIM 612591.

Allele frequency attached by ClinVar (database versions not stated): gnomAD exomes 0.00002 and 0.00003; ExAC 0.00005; TOPMed 0.00009; gnomAD 0.00010 and 0.00011; ESP Exome Variant Server 0.00015; 1000 Genomes Project 0.00020; 1000 Genomes Project 30x 0.00031.

Submissions (5):

Labcorp Genetics (formerly Invitae), Labcorp
Classification: Likely benign for POLD1-related polyposis and colorectal cancer syndrome. Last evaluated: 2026-01-16. Review status: criteria provided, single submitter. Criteria: Invitae Variant Classification Sherloc (09022015). Collection method: clinical testing. Allele origin: germline.

Center for Genomic Medicine, Rigshospitalet, Copenhagen University Hospital
Classification: Likely benign. Last evaluated: 2025-03-04. Review status: criteria provided, single submitter. Criteria: ACMG Guidelines, 2015. Collection method: clinical testing. Allele origin: germline.

GeneDx
Classification: Likely benign. Last evaluated: 2020-11-04. Review status: criteria provided, single submitter. Criteria: GeneDx Variant Classification Process June 2021. Collection method: clinical testing. Allele origin: germline. Affected: yes.
Comment: This variant is associated with the following publications: (PMID: 26000489)

Quest Diagnostics Nichols Institute San Juan Capistrano
Classification: Benign. Last evaluated: 2018-11-13. Review status: criteria provided, single submitter. Criteria: Quest Diagnostics criteria. Collection method: clinical testing. Allele origin: germline.

Ambry Genetics
Classification: Likely benign for Hereditary cancer-predisposing syndrome. Last evaluated: 2015-08-07. Review status: criteria provided, single submitter. Criteria: Ambry Variant Classification Scheme 2023. Collection method: clinical testing. Allele origin: germline.